The following is an entry in ClinVar:

NM_001035.3(RYR2):c.7654G>A (p.Val2552Met)

Gene: RYR2 (ryanodine receptor 2; plus strand). Cytogenetic location: 1q43.
Variant type: single nucleotide variant.
Coding change: c.7654G>A on transcript NM_001035.3 (MANE Select); coding-DNA position 7654, G replaced by A.
Protein change: p.Val2552Met; replaces valine 2552 with methionine.
Molecular consequence: missense variant.
Genome position (GRCh38, 1-based): chr1:237,650,018, G>A. VCF-style: chr1-237650018-G-A. GRCh37 (hg19) VCF-style: chr1-237813318-G-A.
Other names: short protein forms V2552M.
Identifiers: ClinVar variation 855096 (VCV000855096.8), dbSNP rs746822781, ClinGen allele CA087441.

ClinVar aggregate classification (germline): Uncertain significance. Review status: criteria provided, multiple submitters, no conflicts (2 of 4 stars). 2 submissions from 2 submitters: Uncertain significance (2). Last evaluated 2025-06-22.

Conditions:
Catecholaminergic polymorphic ventricular tachycardia (CVPT). Also called: Catecholamine-induced polymorphic ventricular tachycardia. Identifiers: Orphanet 3286, MedGen C5574922, MONDO:0017990.
Catecholaminergic polymorphic ventricular tachycardia 1. Also called: VENTRICULAR TACHYCARDIA, CATECHOLAMINERGIC POLYMORPHIC, 1, WITH OR WITHOUT ATRIAL DYSFUNCTION AND/OR DILATED CARDIOMYOPATHY; VENTRICULAR TACHYCARDIA, STRESS-INDUCED POLYMORPHIC 1; RYR2-Related Catecholaminergic Polymorphic Ventricular Tachycardia. Identifiers: Orphanet 3286, MedGen C1631597, MONDO:0011484, OMIM 604772.

Allele frequency attached by ClinVar (database versions not stated): gnomAD exomes below 0.00001 and 0.00001; ExAC 0.00001.
gnomAD v4.1: 2 of 1,613,976 alleles (0.00012%); highest among the groups gnomAD compares: Admixed American, 0.0033%; no homozygotes.

Submissions (2):

Labcorp Genetics (formerly Invitae), Labcorp
Classification: Uncertain significance for Catecholaminergic polymorphic ventricular tachycardia 1. Last evaluated: 2025-06-22. Review status: criteria provided, single submitter. Criteria: Invitae Variant Classification Sherloc (09022015). Collection method: clinical testing. Allele origin: germline.
Comment: This sequence change replaces valine, which is neutral and non-polar, with methionine, which is neutral and non-polar, at codon 2552 of the RYR2 protein (p.Val2552Met). This variant is present in population databases (rs746822781, gnomAD 0.006%). This variant has not been reported in the literature in individuals affected with RYR2-related conditions. ClinVar contains an entry for this variant (Variation ID: 855096). Invitae Evidence Modeling of protein sequence and biophysical properties (such as structural, functional, and spatial information, amino acid conservation, physicochemical variation, residue mobility, and thermodynamic stability) has been performed for this missense variant. However, the output from this modeling did not meet the statistical confidence thresholds required to predict the impact of this variant on RYR2 protein function. In summary, the available evidence is currently insufficient to determine the role of this variant in disease. Therefore, it has been classified as a Variant of Uncertain Significance.

All of Us Research Program, National Institutes of Health
Classification: Uncertain significance for Catecholaminergic polymorphic ventricular tachycardia. Last evaluated: 2024-01-11. Review status: criteria provided, single submitter. Criteria: ACMG Guidelines, 2015. Collection method: clinical testing. Allele origin: germline. Inheritance: Autosomal dominant inheritance. Observed: 2 variant alleles, 2 heterozygotes.
Comment: This missense variant replaces valine with methionine at codon 2552 of the RYR2 protein. Computational prediction is inconclusive regarding the impact of this variant on protein structure and function (internally defined REVEL score threshold 0.5 < inconclusive < 0.7, PMID: 27666373). To our knowledge, functional studies have not been reported for this variant. This variant has not been reported in individuals affected with RYR2-related disorders in the literature. This variant has been identified in 2/249284 chromosomes in the general population by the Genome Aggregation Database (gnomAD). The available evidence is insufficient to determine the role of this variant in disease conclusively. Therefore, this variant is classified as a Variant of Uncertain Significance.

This study involves interpretation of variants in research participants for the purpose of population health screening. Participant phenotype was not available at the time of variant classification. Additional details can be found in publication PMID: 35346344, PMCID: PMC8962531